The following is an entry in ClinVar:

ClinVar aggregate classification (germline): Uncertain significance (1 of 4 stars; one submission).

Submission:

Labcorp Genetics (formerly Invitae), Labcorp
Classification: Uncertain significance. Last evaluated: 2023-08-30. Review status: criteria provided, single submitter. Criteria: Invitae Variant Classification Sherloc (09022015). Collection method: clinical testing. Allele origin: germline.
Comment: Algorithms developed to predict the effect of sequence changes on RNA splicing suggest that this variant may create or strengthen a splice site. This sequence change creates a premature translational stop signal (p.Gln619*) in the MYLK3 gene. It is expected to result in an absent or disrupted protein product. However, the current clinical and genetic evidence is not sufficient to establish whether loss-of-function variants in MYLK3 cause disease. This variant is not present in population databases (gnomAD no frequency). This variant has not been reported in the literature in individuals affected with MYLK3-related conditions. In summary, the available evidence is currently insufficient to determine the role of this variant in disease. Therefore, it has been classified as a Variant of Uncertain Significance.

NM_182493.3(MYLK3):c.1855C>T (p.Gln619Ter)

Gene: MYLK3 (myosin light chain kinase 3; minus strand). Cytogenetic location: 16q11.2.
Variant type: single nucleotide variant.
Coding change: c.1855C>T on transcript NM_182493.3 (MANE Select); coding-DNA position 1855, C replaced by T.
Protein change: p.Gln619Ter; replaces glutamine 619 with a stop codon.
Molecular consequence: nonsense.
Genome position (GRCh38, 1-based): chr16:46,727,295, G>A on the plus strand (C>T on the coding strand, the complement: MYLK3 is on the minus strand). VCF-style: chr16-46727295-G-A. GRCh37 (hg19) VCF-style: chr16-46761207-G-A.
Other names: c.832C>T, p.Gln278Ter (NM_001308301.1); short protein forms Q619*, Q278*.
Identifiers: ClinVar variation 2740466 (VCV002740466.3), dbSNP rs2548903717, ClinGen allele CA395789832.